The following is an entry in ClinVar:

NM_002335.4(LRP5):c.1697G>A (p.Arg566His)

Gene: LRP5 (LDL receptor related protein 5; plus strand). Cytogenetic location: 11q13.2.
Variant type: single nucleotide variant.
Coding change: c.1697G>A on transcript NM_002335.4 (MANE Select); coding-DNA position 1697, G replaced by A.
Protein change: p.Arg566His; replaces arginine 566 with histidine.
Molecular consequence: missense variant. On other transcripts: 5 prime UTR variant (1).
Genome position (GRCh38, 1-based): chr11:68,403,595, G>A. VCF-style: chr11-68403595-G-A. GRCh37 (hg19) VCF-style: chr11-68171063-G-A.
Other names: c.-241G>A (NM_001291902.2); short protein forms R566H.
Identifiers: ClinVar variation 156394 (VCV000156394.8), dbSNP rs587783024, ClinGen allele CA270790.

ClinVar aggregate classification (germline): Uncertain significance. Review status: criteria provided, multiple submitters, no conflicts (2 of 4 stars). 4 submissions from 4 submitters: Uncertain significance (3). 1 of the submissions does not count toward it. Last evaluated 2026-02-11.

Conditions:
Autosomal dominant polycystic liver disease. Also called: Congenital cystic disease of liver; Polycystic liver disease. Identifiers: Orphanet 2924, MedGen C0158683, MONDO:0000447, HP:0006557.
Autosomal dominant osteopetrosis 1 (OPTA1). Also called: OSTEOPETROSIS, AUTOSOMAL DOMINANT, TYPE I. Identifiers: Orphanet 2783, MedGen C1843330, MONDO:0011877, OMIM 607634.
Osteoporosis with pseudoglioma (OPPG). Also called: osteoporosis-pseudoglioma syndrome. Identifiers: Orphanet 2788, MedGen C0432252, MONDO:0009820, OMIM 259770.
Exudative vitreoretinopathy 4 (EVR4). Identifiers: Orphanet 891, MedGen C1866176, MONDO:0011151, OMIM 601813.
LRP5-related disorder. Also called: LRP5-related condition.
Leber congenital amaurosis (LCA). Also called: Leber's amaurosis. Identifiers: Orphanet 65, MedGen C0339527, MeSH D057130, MONDO:0018998.

Allele frequency attached by ClinVar (database versions not stated): gnomAD exomes below 0.00001; gnomAD 0.00001; TOPMed 0.00001.
gnomAD v4.1: 7 of 1,614,062 alleles (0.00043%); highest among the groups gnomAD compares: Admixed American, 0.0033%; no homozygotes.

Submissions (4):

PreventionGenetics, part of Exact Sciences
Classification: Uncertain significance for LRP5-related condition. Last evaluated: 2026-02-11. Review status: criteria provided, single submitter. Criteria: ACMG Guidelines, 2015. Collection method: clinical testing. Allele origin: germline.
Comment: The LRP5 c.1697G>A variant is predicted to result in the amino acid substitution p.Arg566His. This variant was reported in the presumably heterozygous state in an individual with Leber congenital amaurosis (LCA) (Seong et al. 2015. PubMed ID: 25445212). Of note, a different substitution at the same codon, defined as c.1696C>T (p.Arg566Cys), was reported in the heterozygous state in a fetus with congenital heart defect (Table S2, Qiao et al. 2021. PubMed ID: 33142350). The c.1697G>A (p.Arg566His) variant is reported in 0.0029% of alleles in individuals of Latino descent in gnomAD. At this time, the clinical significance of this variant is uncertain due to the absence of conclusive functional and genetic evidence.

Labcorp Genetics (formerly Invitae), Labcorp
Classification: Uncertain significance. Last evaluated: 2025-06-15. Review status: criteria provided, single submitter. Criteria: Invitae Variant Classification Sherloc (09022015). Collection method: clinical testing. Allele origin: germline.
Comment: This sequence change replaces arginine, which is basic and polar, with histidine, which is basic and polar, at codon 566 of the LRP5 protein (p.Arg566His). The frequency data for this variant in the population databases is considered unreliable, as metrics indicate poor data quality at this position in the gnomAD database. This variant has not been reported in the literature in individuals affected with LRP5-related conditions. ClinVar contains an entry for this variant (Variation ID: 156394). Invitae Evidence Modeling of protein sequence and biophysical properties (such as structural, functional, and spatial information, amino acid conservation, physicochemical variation, residue mobility, and thermodynamic stability) has been performed for this missense variant. However, the output from this modeling did not meet the statistical confidence thresholds required to predict the impact of this variant on LRP5 protein function. In summary, the available evidence is currently insufficient to determine the role of this variant in disease. Therefore, it has been classified as a Variant of Uncertain Significance.

Blueprint Genetics
Classification: Uncertain significance. Last evaluated: 2022-01-27. Review status: criteria provided, single submitter. Criteria: ACMG Guidelines, 2015. Collection method: clinical testing. Allele origin: germline.

Molecular Diagnostics Laboratory, Seoul National University Hospital
Classification: Uncertain significance for Leber congenital amaurosis. Last evaluated: 2014-09-18. Review status: no assertion criteria provided. Collection method: clinical testing. Allele origin: unknown. Affected: yes. Not counted in ClinVar's aggregate classification.